The following is an entry in ClinVar:

NM_000384.3(APOB):c.8594dup (p.Asn2865fs)

Gene: APOB (apolipoprotein B; minus strand). Cytogenetic location: 2p24.1.
Variant type: Duplication.
Coding change: c.8594dup on transcript NM_000384.3 (MANE Select); coding-DNA position 8594, one base duplicated (A; older notation c.8594dupA).
Protein change: p.Asn2865fs; shifts the reading frame from asparagine 2865.
Molecular consequence: frameshift variant.
Genome position (GRCh38, 1-based): chr2:21,008,274, T duplicated on the plus strand (A on the coding strand, the reverse complement: APOB is on the minus strand); the first of 7 consecutive T bases (chr2:21,008,274-21,008,280); duplicating any one gives the same sequence. VCF-style (leftmost placement, unchanged base first): chr2-21008273-A-AT. GRCh37 (hg19) VCF-style: chr2-21231145-A-AT.
Other names: short protein forms N2865fs.
Identifiers: ClinVar variation 1071546 (VCV001071546.9), dbSNP rs1271191797, ClinGen allele CA531312735.

ClinVar aggregate classification (germline): Pathogenic (1 of 4 stars; one submission).

Conditions:
Familial hypobetalipoproteinemia 1. Also called: APOB-Related Familial Hypobetalipoproteinemia; Hypobetalipoproteinemia, normotriglyceridemic; Acanthocytosis with hypobetalipoproteinemia. Identifiers: MedGen C4551990, MONDO:0014252, OMIM 615558.
Hypercholesterolemia, autosomal dominant, type B (FHCL2). Also called: HYPERCHOLESTEROLEMIA, FAMILIAL, DUE TO LIGAND-DEFECTIVE APOLIPOPROTEIN B; Familial hypercholesterolemia 2; APOB-Related Familial Hypercholesterolemia, Autosomal Dominant; Familial Hypercholesterolemia Type B; APOLIPOPROTEIN B-100, FAMILIAL DEFECTIVE; APOLIPOPROTEIN B-100, FAMILIAL LIGAND-DEFECTIVE. Identifiers: MedGen C1704417, MONDO:0007751, OMIM 144010.

Submission:

Labcorp Genetics (formerly Invitae), Labcorp
Classification: Pathogenic for Familial hypobetalipoproteinemia 1; Hypercholesterolemia, autosomal dominant, type B. Last evaluated: 2017-07-21. Review status: criteria provided, single submitter. Criteria: Invitae Variant Classification Sherloc (09022015). Collection method: clinical testing. Allele origin: germline.
Comment: This sequence change creates a premature translational stop signal (p.Asn2865Lysfs*6) in the APOB gene. It is expected to result in an absent or disrupted protein product. This variant is not present in population databases (ExAC no frequency). This variant has not been reported in the literature in individuals with APOB-related disease. For these reasons, this variant has been classified as Pathogenic. Loss-of-function variants in APOB are known to be pathogenic in the context of hypobetalipoproteinemia (PMID: 20032471).

Literature cited by the submitters: PubMed 20032471.